The following is an entry in ClinVar:

ClinVar aggregate classification (germline): Uncertain significance. Review status: criteria provided, multiple submitters, no conflicts (2 of 4 stars). 2 submissions from 2 submitters: Uncertain significance (2). Last evaluated 2023-11-28.

Allele frequency attached by ClinVar (database versions not stated): gnomAD exomes below 0.00001.

Submissions (2):

Labcorp Genetics (formerly Invitae), Labcorp
Classification: Uncertain significance. Last evaluated: 2023-11-28. Review status: criteria provided, single submitter. Criteria: Invitae Variant Classification Sherloc (09022015). Collection method: clinical testing. Allele origin: germline.
Comment: This sequence change falls in intron 8 of the SETD5 gene. It does not directly change the encoded amino acid sequence of the SETD5 protein. It affects a nucleotide within the consensus splice site. This variant is not present in population databases (gnomAD no frequency). This variant has not been reported in the literature in individuals affected with SETD5-related conditions. ClinVar contains an entry for this variant (Variation ID: 1723092). Variants that disrupt the consensus splice site are a relatively common cause of aberrant splicing (PMID: 17576681, 9536098). Algorithms developed to predict the effect of sequence changes on RNA splicing suggest that this variant is not likely to affect RNA splicing. In summary, the available evidence is currently insufficient to determine the role of this variant in disease. Therefore, it has been classified as a Variant of Uncertain Significance.

GeneDx
Classification: Uncertain significance. Last evaluated: 2022-05-02. Review status: criteria provided, single submitter. Criteria: GeneDx Variant Classification Process June 2021. Collection method: clinical testing. Allele origin: germline. Affected: yes.
Comment: Not observed at significant frequency in large population cohorts (gnomAD); In silico analysis supports that this variant does not alter splicing; Has not been previously published as pathogenic or benign to our knowledge

Literature cited by the submitters: PubMed 17576681 (cited by Labcorp Genetics (formerly Invitae), Labcorp); PubMed 9536098 (cited by Labcorp Genetics (formerly Invitae), Labcorp).

NM_001080517.3(SETD5):c.810+4A>G

Gene: SETD5 (SET domain containing 5; plus strand). Cytogenetic location: 3p25.3.
Variant type: single nucleotide variant.
Coding change: c.810+4A>G on transcript NM_001080517.3 (MANE Select); 4 bases into the intron after coding-DNA position 810, A replaced by G.
Molecular consequence: intron variant.
Genome position (GRCh38, 1-based): chr3:9,440,702, A>G. VCF-style: chr3-9440702-A-G. GRCh37 (hg19) VCF-style: chr3-9482386-A-G.
Other names: c.516+4A>G (NM_001349451.2, NM_001292043.2).
Identifiers: ClinVar variation 1723092 (VCV001723092.5), dbSNP rs1323901071, ClinGen allele CA2580070603.
Genomic context (GRCh38, chr3:9,440,702, plus strand): 5'-ACTATTAATAAGACTGAATTGGCCTGTAATAACACAGTTATTGGTTCCCAAATGCAGGTA[A>G]GCACCAAAGGGTTGAGGACTCTCTAAGTAGCTGAAATTTTAAGAACCCAGGAAGAGGGTA-3'